The following is an entry in ClinVar:

ClinVar aggregate classification (germline): Conflicting classifications of pathogenicity. Review status: criteria provided, conflicting classifications (1 of 4 stars). 3 submissions from 3 submitters: Uncertain significance (1); Likely benign (2). Last evaluated 2025-12-19.

Conditions:
Hereditary cancer-predisposing syndrome. Also called: Tumor predisposition; Hereditary neoplastic syndrome; Neoplastic Syndromes, Hereditary; Hereditary Cancer Syndrome. Identifiers: Orphanet 140162, MedGen C0027672, MeSH D009386, MONDO:0015356.
Retinoblastoma (RB1). Also called: RETINOBLASTOMA, SOMATIC. Identifiers: Orphanet 790, MedGen C0035335, MeSH D012175, MONDO:0008380, OMIM 180200, HP:0009919. Disease mechanism: loss of function. Inheritance: Both sporadic and heritable forms are tested..

Allele frequency attached by ClinVar (database versions not stated): TOPMed 0.00001; ExAC 0.00002.
gnomAD v4.1: 2 of 1,613,190 alleles (0.00012%); highest among the groups gnomAD compares: African/African-American, 0.0027%; no homozygotes.

Submissions (3):

Labcorp Genetics (formerly Invitae), Labcorp
Classification: Likely benign for Retinoblastoma. Last evaluated: 2025-12-19. Review status: criteria provided, single submitter. Criteria: Invitae Variant Classification Sherloc (09022015). Collection method: clinical testing. Allele origin: germline.

GeneDx
Classification: Uncertain significance. Last evaluated: 2024-02-05. Review status: criteria provided, single submitter. Criteria: GeneDx Variant Classification Process June 2021. Collection method: clinical testing. Allele origin: germline. Affected: yes.
Comment: Not observed at significant frequency in large population cohorts (gnomAD); In silico analysis supports that this missense variant does not alter protein structure/function; Has not been previously published as pathogenic or benign to our knowledge; This variant is associated with the following publications: (PMID: 23516486, Day alan_2006_Review)

Ambry Genetics
Classification: Likely benign for Hereditary cancer-predisposing syndrome. Last evaluated: 2022-03-22. Review status: criteria provided, single submitter. Criteria: Ambry Variant Classification Scheme 2023. Collection method: clinical testing. Allele origin: germline.

NM_000321.3(RB1):c.1766C>T (p.Ala589Val)

Gene: RB1 (RB transcriptional corepressor 1; plus strand). Cytogenetic location: 13q14.2.
Variant type: single nucleotide variant.
Coding change: c.1766C>T on transcript NM_000321.3 (MANE Select); coding-DNA position 1766, C replaced by T.
Protein change: p.Ala589Val; replaces alanine 589 with valine.
Molecular consequence: missense variant.
Genome position (GRCh38, 1-based): chr13:48,453,063, C>T. VCF-style: chr13-48453063-C-T. GRCh37 (hg19) VCF-style: chr13-49027199-C-T.
Other names: short protein forms A589V.
Identifiers: ClinVar variation 861282 (VCV000861282.13), dbSNP rs779045727, ClinGen allele CA032509.